The following is an entry in ClinVar:

NM_001035.3(RYR2):c.8474C>A (p.Ala2825Asp)

Gene: RYR2 (ryanodine receptor 2; plus strand). Cytogenetic location: 1q43.
Variant type: single nucleotide variant.
Coding change: c.8474C>A on transcript NM_001035.3 (MANE Select); coding-DNA position 8474, C replaced by A.
Protein change: p.Ala2825Asp; replaces alanine 2825 with aspartic acid.
Molecular consequence: missense variant.
Genome position (GRCh38, 1-based): chr1:237,666,549, C>A. VCF-style: chr1-237666549-C-A. GRCh37 (hg19) VCF-style: chr1-237829849-C-A.
Other names: short protein forms A2825D.
Identifiers: ClinVar variation 1763515 (VCV001763515.4), dbSNP rs2547157656, ClinGen allele CA345402113.

ClinVar aggregate classification (germline): Uncertain significance. Review status: criteria provided, multiple submitters, no conflicts (2 of 4 stars). 3 submissions from 3 submitters: Uncertain significance (3). Last evaluated 2025-03-31.

Conditions:
Cardiomyopathy (CMYO). Also called: Cardiomyopathies. Identifiers: Orphanet 167848, MedGen C0878544, MONDO:0004994, HP:0001638. Inheritance: Various modes of inheritance.
Catecholaminergic polymorphic ventricular tachycardia (CVPT). Also called: Catecholamine-induced polymorphic ventricular tachycardia. Identifiers: Orphanet 3286, MedGen C5574922, MONDO:0017990.
Cardiovascular phenotype. Identifiers: MedGen CN230736.

Submissions (3):

Color Diagnostics, LLC DBA Color Health
Classification: Uncertain significance for Cardiomyopathy. Last evaluated: 2025-03-31. Review status: criteria provided, single submitter. Criteria: ACMG Guidelines, 2015. Collection method: clinical testing. Allele origin: germline.
Comment: This missense variant replaces alanine with aspartic acid at codon 2825 of the RYR2 protein. Computational prediction suggests that this variant may have deleterious impact on protein structure and function (internally defined REVEL score threshold >= 0.7, PMID: 27666373). To our knowledge, functional studies have not been reported for this variant. This variant has not been reported in individuals affected with RYR2-related disorders in the literature. This variant has not been identified in the general population by the Genome Aggregation Database (gnomAD). The available evidence is insufficient to determine the role of this variant in disease conclusively. Therefore, this variant is classified as a Variant of Uncertain Significance.

All of Us Research Program, National Institutes of Health
Classification: Uncertain significance for Catecholaminergic polymorphic ventricular tachycardia. Last evaluated: 2023-04-10. Review status: criteria provided, single submitter. Criteria: ACMG Guidelines, 2015. Collection method: clinical testing. Allele origin: germline. Inheritance: Autosomal dominant inheritance. Observed: 1 variant allele, 1 heterozygote.
Comment: This missense variant replaces alanine with aspartic acid at codon 2825 of the RYR2 protein. Computational prediction suggests that this variant may have deleterious impact on protein structure and function (internally defined REVEL score threshold >= 0.7, PMID: 27666373). To our knowledge, functional studies have not been reported for this variant. This variant has not been reported in individuals affected with RYR2-related disorders in the literature. This variant has not been identified in the general population by the Genome Aggregation Database (gnomAD). The available evidence is insufficient to determine the role of this variant in disease conclusively. Therefore, this variant is classified as a Variant of Uncertain Significance.

This study involves interpretation of variants in research participants for the purpose of population health screening. Participant phenotype was not available at the time of variant classification. Additional details can be found in publication PMID: 35346344, PMCID: PMC8962531

Ambry Genetics
Classification: Uncertain significance for Cardiovascular phenotype. Last evaluated: 2021-06-28. Review status: criteria provided, single submitter. Criteria: Ambry Variant Classification Scheme 2023. Collection method: clinical testing. Allele origin: germline.
Comment: The p.A2825D variant (also known as c.8474C>A), located in coding exon 57 of the RYR2 gene, results from a C to A substitution at nucleotide position 8474. The alanine at codon 2825 is replaced by aspartic acid, an amino acid with dissimilar properties. This amino acid position is not well conserved in available vertebrate species. In addition, the in silico prediction for this alteration is inconclusive. Since supporting evidence is limited at this time, the clinical significance of this alteration remains unclear.